The following is an entry in ClinVar:

ClinVar aggregate classification (germline): Uncertain significance. Review status: criteria provided, multiple submitters, no conflicts (2 of 4 stars). 3 submissions from 3 submitters: Uncertain significance (3). Last evaluated 2024-04-26.

Conditions:
Progressive myoclonic epilepsy. Also called: Familial progressive myoclonic epilepsy; Myoclonus epilepsy; Progressive myoclonus epilepsy; Myoclonic Epilepsies, Progressive. Identifiers: Orphanet 308, Orphanet 98261, MedGen C0751778, MONDO:0020074.
Inborn genetic diseases. Identifiers: MedGen C0950123, MeSH D030342.

Submissions (3):

GeneDx
Classification: Uncertain significance. Last evaluated: 2024-04-26. Review status: criteria provided, single submitter. Criteria: GeneDx Variant Classification Process June 2021. Collection method: clinical testing. Allele origin: germline. Affected: yes.
Comment: Not observed at significant frequency in large population cohorts (gnomAD); In silico analysis indicates that this missense variant does not alter protein structure/function; Has not been previously published as pathogenic or benign to our knowledge

Ambry Genetics
Classification: Uncertain significance for Inborn genetic diseases. Last evaluated: 2023-12-14. Review status: criteria provided, single submitter. Criteria: Ambry Variant Classification Scheme 2023. Collection method: clinical testing. Allele origin: germline.

Labcorp Genetics (formerly Invitae), Labcorp
Classification: Uncertain significance for Progressive myoclonic epilepsy. Last evaluated: 2022-02-15. Review status: criteria provided, single submitter. Criteria: Invitae Variant Classification Sherloc (09022015). Collection method: clinical testing. Allele origin: germline.
Comment: This sequence change replaces threonine, which is neutral and polar, with alanine, which is neutral and non-polar, at codon 212 of the GOSR2 protein (p.Thr212Ala). This variant is not present in population databases (gnomAD no frequency). This variant has not been reported in the literature in individuals affected with GOSR2-related conditions. ClinVar contains an entry for this variant (Variation ID: 844028). Algorithms developed to predict the effect of missense changes on protein structure and function (SIFT, PolyPhen-2, Align-GVGD) all suggest that this variant is likely to be tolerated. In summary, the available evidence is currently insufficient to determine the role of this variant in disease. Therefore, it has been classified as a Variant of Uncertain Significance.

NM_004287.5(GOSR2):c.634A>G (p.Thr212Ala)

Genes: GOSR2 (golgi SNAP receptor complex member 2; plus strand), LRRC37A2 (leucine rich repeat containing 37 member A2). Cytogenetic location: 17q21.32.
Variant type: single nucleotide variant.
Coding change: c.634A>G on transcript NM_004287.5 (MANE Select); coding-DNA position 634, A replaced by G.
Protein change: p.Thr212Ala; replaces threonine 212 with alanine.
Molecular consequence: missense variant. On other transcripts: intron variant (3).
Genome position (GRCh38, 1-based): chr17:46,938,755, A>G. VCF-style: chr17-46938755-A-G. GRCh37 (hg19) VCF-style: chr17-45016121-A-G.
Other names: c.439A>G, p.Thr147Ala (NM_001321134.2); c.493A>G, p.Thr165Ala (NM_001330252.2); c.631A>G, p.Thr211Ala (NM_001353114.2); c.490A>G, p.Thr164Ala (NM_001353115.2); c.580A>G, p.Thr194Ala (NM_001363851.2); c.583+51A>G (NM_001321133.2, NM_054022.4); c.439+51A>G (NM_001353116.2); short protein forms T164A, T165A, T212A, T147A, T194A, T211A.
Identifiers: ClinVar variation 844028 (VCV000844028.9), dbSNP rs956070241, ClinGen allele CA291204423.
Genomic context (GRCh38, chr17:46,938,755, plus strand): 5'-TTTATGATAGGTGGGATGCTGCTGACCTGTGTGGTCATGTTCCTCGTGGTGCAGTACCTG[A>G]CATGAGCCAGCCACGCTCAGTGGCTGAACAGCATTCCCACAGCCTGCAAGTGTGTGTGTG-3'
Protein context (NP_004278.2, residues 202-212): VVMFLVVQYL[Thr212Ala]